The following is an entry in ClinVar:

NM_006269.2(RP1):c.4132C>T (p.Pro1378Ser)

Gene: RP1 (RP1 axonemal microtubule associated; plus strand). Cytogenetic location: 8q12.1.
Variant type: single nucleotide variant.
Coding change: c.4132C>T on transcript NM_006269.2 (MANE Select); coding-DNA position 4132, C replaced by T.
Protein change: p.Pro1378Ser; replaces proline 1378 with serine.
Molecular consequence: missense variant. On other transcripts: intron variant (1).
Genome position (GRCh38, 1-based): chr8:54,628,014, C>T. VCF-style: chr8-54628014-C-T. GRCh37 (hg19) VCF-style: chr8-55540574-C-T.
Other names: c.787+5726C>T (NM_001375654.1); short protein forms P1378S.
Identifiers: ClinVar variation 1487736 (VCV001487736.8), dbSNP rs761897407, ClinGen allele CA4751805.
Genomic context (GRCh38, chr8:54,628,014, plus strand): 5'-TCAACTGAAGAGTTAGAAAGAGGTGATGACATTCAGAAAGATCTAAATATTTTGACAGAC[C>T]CTGAATATAAAAATGGATTTAATACATTGGTGTCACATCAAAATGTCAGTAATTTAAGCT-3'
Protein context (NP_006260.1, residues 1368-1388): IQKDLNILTD[Pro1378Ser]EYKNGFNTLV

ClinVar aggregate classification (germline): Uncertain significance (1 of 4 stars; one submission).

Allele frequency attached by ClinVar (database versions not stated): gnomAD exomes below 0.00001; ExAC 0.00001.
gnomAD v4.1: 2 of 1,613,784 alleles (0.00012%); highest among the groups gnomAD compares: Non-Finnish European, 0.000085%; no homozygotes.

Submission:

Labcorp Genetics (formerly Invitae), Labcorp
Classification: Uncertain significance. Last evaluated: 2025-04-14. Review status: criteria provided, single submitter. Criteria: Invitae Variant Classification Sherloc (09022015). Collection method: clinical testing. Allele origin: germline.
Comment: This sequence change replaces proline, which is neutral and non-polar, with serine, which is neutral and polar, at codon 1378 of the RP1 protein (p.Pro1378Ser). This variant is present in population databases (rs761897407, gnomAD 0.003%). This variant has not been reported in the literature in individuals affected with RP1-related conditions. ClinVar contains an entry for this variant (Variation ID: 1487736). An algorithm developed to predict the effect of missense changes on protein structure and function outputs the following: PolyPhen-2: "Benign". The serine amino acid residue is found in multiple mammalian species, which suggests that this missense change does not adversely affect protein function. In summary, the available evidence is currently insufficient to determine the role of this variant in disease. Therefore, it has been classified as a Variant of Uncertain Significance.